The following is an entry in ClinVar:

ClinVar aggregate classification (germline): Uncertain significance (1 of 4 stars; one submission).

Conditions:
Emery-Dreifuss muscular dystrophy (EDMD). Also called: Scapuloperoneal syndrome, X-linked (formerly); Humeroperoneal neuromuscular disease, (formerly). Identifiers: Orphanet 261, MedGen C0410189, MONDO:0016830.

Allele frequency attached by ClinVar (database versions not stated): gnomAD 0.00002; TOPMed 0.00002; ExAC 0.00004.
gnomAD v4.1: 8 of 1,599,250 alleles (0.0005%); highest among the groups gnomAD compares: South Asian, 0.0023%; no homozygotes.

Submission:

Labcorp Genetics (formerly Invitae), Labcorp
Classification: Uncertain significance for Emery-Dreifuss muscular dystrophy. Last evaluated: 2023-10-03. Review status: criteria provided, single submitter. Criteria: Invitae Variant Classification Sherloc (09022015). Collection method: clinical testing. Allele origin: germline.
Comment: This sequence change replaces arginine, which is basic and polar, with glutamine, which is neutral and polar, at codon 50 of the SUN1 protein (p.Arg50Gln). The frequency data for this variant in the population databases is considered unreliable, as metrics indicate poor data quality at this position in the gnomAD database. This variant has not been reported in the literature in individuals affected with SUN1-related conditions. An algorithm developed to predict the effect of missense changes on protein structure and function (PolyPhen-2) suggests that this variant is likely to be disruptive. Algorithms developed to predict the effect of sequence changes on RNA splicing suggest that this variant may disrupt the consensus splice site. In summary, the available evidence is currently insufficient to determine the role of this variant in disease. Therefore, it has been classified as a Variant of Uncertain Significance.

NM_001130965.3(SUN1):c.149G>A (p.Arg50Gln)

Gene: SUN1 (Sad1 and UNC84 domain containing 1; plus strand). Cytogenetic location: 7p22.3.
Variant type: single nucleotide variant.
Coding change: c.149G>A on transcript NM_001130965.3 (MANE Select); coding-DNA position 149, G replaced by A.
Protein change: p.Arg50Gln; replaces arginine 50 with glutamine.
Molecular consequence: missense variant. On other transcripts: 5 prime UTR variant (29), non-coding transcript variant (3), intron variant (2).
Genome position (GRCh38, 1-based): chr7:838,869, G>A. VCF-style: chr7-838869-G-A. GRCh37 (hg19) VCF-style: chr7-878506-G-A.
Other names: c.149G>A, p.Arg50Gln (NM_001171944.2, NM_001171946.2, NM_001367633.1 and 34 more transcripts); c.212G>A, p.Arg71Gln (NM_001171945.2); c.-309G>A (NM_001367635.1); c.-2G>A (NM_001367636.1, NM_001367637.1, NM_001367644.1 and 25 more transcripts); c.368G>A, p.Arg123Gln (NM_001367651.1); c.-613G>A (NM_001367658.1); c.78-3077G>A (NM_001367695.1); c.-301-3077G>A (NM_001367639.1); short protein forms R71Q, R123Q, R50Q.
Identifiers: ClinVar variation 2733620 (VCV002733620.3), dbSNP rs775225289, ClinGen allele CA4111394.
Genomic context (GRCh38, chr7:838,869, plus strand): 5'-CTTCAGATGCTCTGGATTTTGAGACGGAGCACAAATTGGACCCTGTATTTGATTCTCCAC[G>A]GATGTCCCGCCGTAGTTTGCGCCTGGCCACGACAGCATGCACCCTGGGGGATGGTGAGGC-3'
Protein context (NP_001124437.1, residues 40-60): HKLDPVFDSP[Arg50Gln]MSRRSLRLAT